The following is an entry in ClinVar:

NM_000053.4(ATP7B):c.3211T>C (p.Leu1071=)

Gene: ATP7B (ATPase copper transporting beta; minus strand). Cytogenetic location: 13q14.3.
Variant type: single nucleotide variant.
Coding change: c.3211T>C on transcript NM_000053.4 (MANE Select); coding-DNA position 3211, T replaced by C.
Protein change: p.Leu1071=; no amino-acid change (leucine 1071 retained).
Molecular consequence: synonymous variant.
Genome position (GRCh38, 1-based): chr13:51,944,141, A>G on the plus strand (T>C on the coding strand, the complement: ATP7B is on the minus strand). VCF-style: chr13-51944141-A-G. GRCh37 (hg19) VCF-style: chr13-52518277-A-G.
Other names: c.2590T>C, p.Leu864= (NM_001005918.3); c.2878T>C, p.Leu960= (NM_001243182.2); c.2977T>C, p.Leu993= (NM_001330578.2); c.2959T>C, p.Leu987= (NM_001330579.2).
Identifiers: ClinVar variation 456555 (VCV000456555.18), dbSNP rs748003525, ClinGen allele CA6988779.

ClinVar aggregate classification (germline): Likely benign. Review status: criteria provided, multiple submitters, no conflicts (2 of 4 stars). 6 submissions from 6 submitters: Likely benign (6). Last evaluated 2026-01-25.

Conditions:
Inborn genetic diseases. Identifiers: MedGen C0950123, MeSH D030342.
Wilson disease (WND). Also called: Wilson's disease. Identifiers: Orphanet 905, MedGen C0019202, MONDO:0010200, OMIM 277900. Disease mechanism: loss of function.

Allele frequency attached by ClinVar (database versions not stated): gnomAD exomes below 0.00001; ExAC 0.00001; TOPMed 0.00003; gnomAD 0.00007.
gnomAD v4.1: 29 of 1,614,158 alleles (0.0018%); highest among the groups gnomAD compares: Admixed American, 0.017%; no homozygotes.

Submissions (6):

Labcorp Genetics (formerly Invitae), Labcorp
Classification: Likely benign for Wilson disease. Last evaluated: 2026-01-25. Review status: criteria provided, single submitter. Criteria: Invitae Variant Classification Sherloc (09022015). Collection method: clinical testing. Allele origin: germline.

Blueprint Genetics
Classification: Likely benign. Last evaluated: 2024-11-11. Review status: criteria provided, single submitter. Criteria: ACMG Guidelines, 2015. Collection method: clinical testing. Allele origin: germline.

All of Us Research Program, National Institutes of Health
Classification: Likely benign for Wilson disease. Last evaluated: 2024-07-29. Review status: criteria provided, single submitter. Criteria: ACMG Guidelines, 2015. Collection method: clinical testing. Allele origin: germline. Inheritance: Autosomal recessive inheritance. Observed: 9 variant alleles, 9 heterozygotes.
Comment: This study involves interpretation of variants in research participants for the purpose of population health screening. Participant phenotype was not available at the time of variant classification. Additional details can be found in publication PMID: 35346344, PMCID: PMC8962531

Ambry Genetics
Classification: Likely benign for Inborn genetic diseases. Last evaluated: 2023-02-16. Review status: criteria provided, single submitter. Criteria: Ambry Variant Classification Scheme 2023. Collection method: clinical testing. Allele origin: germline.

Color Diagnostics, LLC DBA Color Health
Classification: Likely benign for Wilson disease. Last evaluated: 2022-04-28. Review status: criteria provided, single submitter. Criteria: ACMG Guidelines, 2015. Collection method: clinical testing. Allele origin: germline.

Fulgent Genetics
Classification: Likely benign for Wilson disease. Last evaluated: 2022-01-25. Review status: criteria provided, single submitter. Criteria: ACMG Guidelines, 2015. Collection method: clinical testing. Allele origin: unknown.